The following is an entry in ClinVar:

ClinVar aggregate classification (germline): Pathogenic (1 of 4 stars; one submission).

Conditions:
Episodic ataxia type 2 (EA2). Also called: ACETAZOLAMIDE-RESPONSIVE HEREDITARY PAROXYSMAL CEREBELLAR ATAXIA; ATAXIA, EPISODIC, WITH NYSTAGMUS; ATAXIA, FAMILIAL PAROXYSMAL; CEREBELLAR ATAXIA, PAROXYSMAL, ACETAZOLAMIDE-RESPONSIVE; CEREBELLOPATHY, HEREDITARY PAROXYSMAL; EPISODIC ATAXIA, NYSTAGMUS-ASSOCIATED. Identifiers: Orphanet 97, MedGen C1720416, MONDO:0007163, OMIM 108500.
Developmental and epileptic encephalopathy, 42 (DEE42A). Also called: Epileptic encephalopathy, early infantile, 42; DEVELOPMENTAL AND EPILEPTIC ENCEPHALOPATHY 42A; EPILEPTIC ENCEPHALOPATHY, EARLY INFANTILE, 42A. Identifiers: MedGen C4310716, MONDO:0014917, OMIM 617106.

Submission:

Labcorp Genetics (formerly Invitae), Labcorp
Classification: Pathogenic for Developmental and epileptic encephalopathy, 42; Episodic ataxia type 2. Last evaluated: 2024-03-10. Review status: criteria provided, single submitter. Criteria: Invitae Variant Classification Sherloc (09022015). Collection method: clinical testing. Allele origin: germline.
Comment: This sequence change results in a frameshift in the CACNA1A gene (p.Pro2223Alafs*43). While this is not anticipated to result in nonsense mediated decay, it is expected to disrupt the last 39 amino acid(s) of the CACNA1A protein and extend the protein by 3 additional amino acid residues. This variant is not present in population databases (gnomAD no frequency). This variant has not been reported in the literature in individuals affected with CACNA1A-related conditions. This variant disrupts a region of the CACNA1A protein in which other variant(s) (p.Asp2235Alafs*32) have been determined to be pathogenic (Invitae). This suggests that this is a clinically significant region of the protein, and that variants that disrupt it are likely to be disease-causing. For these reasons, this variant has been classified as Pathogenic.

NM_001127222.2(CACNA1A):c.6662dup (p.Pro2222fs)

Gene: CACNA1A (calcium voltage-gated channel subunit alpha1 A; minus strand). Cytogenetic location: 19p13.13.
Variant type: Duplication.
Coding change: c.6662dup on transcript NM_001127222.2 (MANE Select); coding-DNA position 6662, one base duplicated (C; older notation c.6662dupC).
Protein change: p.Pro2222fs; shifts the reading frame from proline 2222.
Molecular consequence: frameshift variant.
Genome position (GRCh38, 1-based): chr19:13,208,874, G duplicated on the plus strand (C on the coding strand, the reverse complement: CACNA1A is on the minus strand); the first of 5 consecutive G bases (chr19:13,208,874-13,208,878); duplicating any one gives the same sequence. VCF-style (leftmost placement, unchanged base first): chr19-13208873-C-CG. GRCh37 (hg19) VCF-style: chr19-13319687-C-CG.
Other names: c.6680dup, p.Pro2228fs (NM_000068.4, NM_023035.3); c.6665dup, p.Pro2223fs (NM_001127221.2); c.6671dup, p.Pro2225fs (NM_001174080.2); short protein forms P2222fs, P2223fs, P2225fs, P2228fs.
Identifiers: ClinVar variation 3748267 (VCV003748267.2).